The following is an entry in ClinVar:

ClinVar aggregate classification (germline): Uncertain significance (1 of 4 stars; one submission).

gnomAD v4.1: 1 of 1,201,279 alleles (0.000083%); highest among the groups gnomAD compares: East Asian, 0.003%; no homozygotes.

Submission:

Women's Health and Genetics/Laboratory Corporation of America, LabCorp
Classification: Uncertain significance. Last evaluated: 2026-01-28. Review status: criteria provided, single submitter. Criteria: LabCorp Variant Classification Summary - May 2015. Collection method: clinical testing. Allele origin: germline.
Comment: Variant summary: PDHA1 c.815A>G (p.Tyr272Cys) results in a non-conservative amino acid change in the encoded protein sequence. Algorithms developed to predict the effect of missense changes on protein structure and function all suggest that this variant is likely to be disruptive. The variant allele was found at a frequency of 5.5e-06 in 183347 control chromosomes. The available data on variant occurrences in the general population are insufficient to allow any conclusion about variant significance. To our knowledge, no occurrence of c.815A>G in individuals affected with PDHA1-related conditions and no experimental evidence demonstrating its impact on protein function have been reported. No submitters have cited clinical-significance assessments for this variant to ClinVar. Based on the evidence outlined above, the variant was classified as uncertain significance.

NM_000284.4(PDHA1):c.815A>G (p.Tyr272Cys)

Gene: PDHA1 (pyruvate dehydrogenase E1 subunit alpha 1; plus strand). Cytogenetic location: Xp22.12.
Variant type: single nucleotide variant.
Coding change: c.815A>G on transcript NM_000284.4 (MANE Select); coding-DNA position 815, A replaced by G.
Protein change: p.Tyr272Cys; replaces tyrosine 272 with cysteine.
Molecular consequence: missense variant.
Genome position (GRCh38, 1-based): chrX:19,355,741, A>G. VCF-style: chrX-19355741-A-G. GRCh37 (hg19) VCF-style: chrX-19373859-A-G.
Other names: c.929A>G, p.Tyr310Cys (NM_001173454.2); c.836A>G, p.Tyr279Cys (NM_001173455.2); c.722A>G, p.Tyr241Cys (NM_001173456.2); short protein forms Y241C, Y272C, Y279C, Y310C.
Identifiers: ClinVar variation 4689132 (VCV004689132.1).